The following is an entry in ClinVar:

ClinVar aggregate classification (germline): Uncertain significance (1 of 4 stars; one submission).

Conditions:
Inborn genetic diseases. Identifiers: MedGen C0950123, MeSH D030342.

Submission:

Ambry Genetics
Classification: Uncertain significance for Inborn genetic diseases. Last evaluated: 2023-07-30. Review status: criteria provided, single submitter. Criteria: Ambry Variant Classification Scheme 2023. Collection method: clinical testing. Allele origin: germline.
Comment: The p.R120G variant (also known as c.358C>G), located in coding exon 4 of the BUB1B gene, results from a C to G substitution at nucleotide position 358. The arginine at codon 120 is replaced by glycine, an amino acid with dissimilar properties. This amino acid position is conserved. In addition, this alteration is predicted to be deleterious by in silico analysis. Since supporting evidence is limited at this time, the clinical significance of this alteration remains unclear.

NM_001211.6(BUB1B):c.358C>G (p.Arg120Gly)

Gene: BUB1B (BUB1 mitotic checkpoint serine/threonine kinase B; plus strand). Cytogenetic location: 15q15.1.
Variant type: single nucleotide variant.
Coding change: c.358C>G on transcript NM_001211.6 (MANE Select); coding-DNA position 358, C replaced by G.
Protein change: p.Arg120Gly; replaces arginine 120 with glycine.
Molecular consequence: missense variant.
Genome position (GRCh38, 1-based): chr15:40,170,655, C>G. VCF-style: chr15-40170655-C-G. GRCh37 (hg19) VCF-style: chr15-40462856-C-G.
Other names: short protein forms R120G.
Identifiers: ClinVar variation 2585921 (VCV002585921.2), dbSNP rs2037151440, ClinGen allele CA391679354.
Genomic context (GRCh38, chr15:40,170,655, plus strand): 5'-ACGTTATTAGAAAGAGCTGTAGAAGCACTACAAGGAGAAAAACGATATTATAGTGATCCT[C>G]GATTTCTCAATCTCTGGCTTAAATTAGTAAGTCTTTCTCAAGTGCCATCTGAGTTTTAAA-3'
Protein context (NP_001202.5, residues 110-130): QGEKRYYSDP[Arg120Gly]FLNLWLKLGR